The following is an entry in ClinVar:

NM_004064.5(CDKN1B):c.532T>C (p.Ser178Pro)

Gene: CDKN1B (cyclin dependent kinase inhibitor 1B; plus strand). Cytogenetic location: 12p13.1.
Variant type: single nucleotide variant.
Coding change: c.532T>C on transcript NM_004064.5 (MANE Select); coding-DNA position 532, T replaced by C.
Protein change: p.Ser178Pro; replaces serine 178 with proline.
Molecular consequence: missense variant.
Genome position (GRCh38, 1-based): chr12:12,718,881, T>C. VCF-style: chr12-12718881-T-C. GRCh37 (hg19) VCF-style: chr12-12871815-T-C.
Other names: short protein forms S178P.
Identifiers: ClinVar variation 3489624 (VCV003489624.1).

ClinVar aggregate classification (germline): Uncertain significance (1 of 4 stars; one submission).

Conditions:
Hereditary cancer-predisposing syndrome. Also called: Tumor predisposition; Neoplastic Syndromes, Hereditary; Hereditary Cancer Syndrome; Hereditary neoplastic syndrome. Identifiers: Orphanet 140162, MedGen C0027672, MeSH D009386, MONDO:0015356.

Submission:

Ambry Genetics
Classification: Uncertain significance for Hereditary cancer-predisposing syndrome. Last evaluated: 2024-08-19. Review status: criteria provided, single submitter. Criteria: Ambry Variant Classification Scheme 2023. Collection method: clinical testing. Allele origin: germline.
Comment: The p.S178P variant (also known as c.532T>C), located in coding exon 2 of the CDKN1B gene, results from a T to C substitution at nucleotide position 532. The serine at codon 178 is replaced by proline, an amino acid with similar properties. This amino acid position is conserved. In addition, this alteration is predicted to be tolerated by in silico analysis. Based on the available evidence, the clinical significance of this variant remains unclear.